The following is an entry in ClinVar:

NM_001256317.3(TMPRSS3):c.368C>T (p.Ala123Val)

Gene: TMPRSS3 (transmembrane serine protease 3; minus strand). Cytogenetic location: 21q22.3.
Variant type: single nucleotide variant.
Coding change: c.368C>T on transcript NM_001256317.3 (MANE Select); coding-DNA position 368, C replaced by T.
Protein change: p.Ala123Val; replaces alanine 123 with valine.
Molecular consequence: missense variant. On other transcripts: 5 prime UTR variant (1).
Genome position (GRCh38, 1-based): chr21:42,388,481, G>A on the plus strand (C>T on the coding strand, the complement: TMPRSS3 is on the minus strand). VCF-style: chr21-42388481-G-A. GRCh37 (hg19) VCF-style: chr21-43808590-G-A.
Other names: c.368C>T, p.Ala123Val (NM_024022.4, NM_032405.2); c.-14C>T (NM_032404.3); short protein forms A123V.
Identifiers: ClinVar variation 2663560 (VCV002663560.2), dbSNP rs769346020, ClinGen allele CA10042650.

ClinVar aggregate classification (germline): Uncertain significance (1 of 4 stars; one submission).

Allele frequency attached by ClinVar (database versions not stated): gnomAD exomes 0.00001; TOPMed 0.00002; ExAC 0.00004.
gnomAD v4.1: 12 of 1,614,214 alleles (0.00074%); highest among the groups gnomAD compares: Admixed American, 0.017%; no homozygotes.

Submission:

GeneDx
Classification: Uncertain significance. Last evaluated: 2026-01-27. Review status: criteria provided, single submitter. Criteria: GeneDx Variant Classification Process June 2021. Collection method: clinical testing. Allele origin: germline.
Comment: In silico analysis suggests that this missense variant does not alter protein structure/function; Has not been previously published as pathogenic or benign to our knowledge